The following is an entry in ClinVar:

NM_001112726.3(CEP170B):c.4107G>A (p.Arg1369=)

Gene: CEP170B (centrosomal protein 170B; plus strand). Cytogenetic location: 14q32.33.
Variant type: single nucleotide variant.
Coding change: c.4107G>A on transcript NM_001112726.3 (MANE Select); coding-DNA position 4107, G replaced by A.
Protein change: p.Arg1369=; no amino-acid change (arginine 1369 retained).
Molecular consequence: synonymous variant.
Genome position (GRCh38, 1-based): chr14:104,893,591, G>A. VCF-style: chr14-104893591-G-A. GRCh37 (hg19) VCF-style: chr14-105359928-G-A.
Other names: c.4002G>A, p.Arg1334= (NM_015005.3).
Identifiers: ClinVar variation 3037267 (VCV003037267.2), dbSNP rs201416051, ClinGen allele CA7376374.

ClinVar aggregate classification (germline): Likely benign (0 of 4 stars; one submission).

Conditions:
CEP170B-related disorder. Also called: CEP170B-related condition.

Allele frequency attached by ClinVar (database versions not stated): gnomAD exomes 0.00019; 1000 Genomes Project 30x 0.00078; ExAC 0.00098; 1000 Genomes Project 0.00100; gnomAD 0.00200; ESP Exome Variant Server 0.00212; TOPMed 0.00248.
gnomAD v4.1: 602 of 1,603,510 alleles (0.038%); highest among the groups gnomAD compares: African/African-American, 0.69%; 3 homozygotes.

Submission:

PreventionGenetics, part of Exact Sciences
Classification: Likely benign for CEP170B-related condition. Last evaluated: 2019-05-03. Review status: no assertion criteria provided. Collection method: clinical testing. Allele origin: germline.
Comment: This variant is classified as likely benign based on ACMG/AMP sequence variant interpretation guidelines (Richards et al. 2015 PMID: 25741868, with internal and published modifications).